The following is an entry in ClinVar:

NM_000135.4(FANCA):c.3726C>G (p.Ile1242Met)

Gene: FANCA (FA complementation group A; minus strand). Cytogenetic location: 16q24.3.
Variant type: single nucleotide variant.
Coding change: c.3726C>G on transcript NM_000135.4 (MANE Select); coding-DNA position 3726, C replaced by G.
Protein change: p.Ile1242Met; replaces isoleucine 1242 with methionine.
Molecular consequence: missense variant.
Genome position (GRCh38, 1-based): chr16:89,742,839, G>C on the plus strand (C>G on the coding strand, the complement: FANCA is on the minus strand). VCF-style: chr16-89742839-G-C. GRCh37 (hg19) VCF-style: chr16-89809247-G-C.
Other names: c.3726C>G, p.Ile1242Met (NM_001286167.3); c.3726C>G (NM_000135.2); short protein forms I1242M.
Identifiers: ClinVar variation 1502161 (VCV001502161.9), dbSNP rs972127356, ClinGen allele CA286620156.
Genomic context (GRCh38, chr16:89,742,839, plus strand): 5'-TAAAAGAATTTCCTATCTTGCCTCCTCTCTCTCGCAGTCCAGCTTCTTTAGCTGCTTCCT[G>C]ATGTTTTCTTCCCTGACTTGTTGAATCGCAAAGTGCAGTGCAGCAGCTGAGAGCCAGTCC-3'
Protein context (NP_000126.2, residues 1232-1252): FAIQQVREEN[Ile1242Met]RKQLKKLDCE

ClinVar aggregate classification (germline): Uncertain significance. Review status: criteria provided, multiple submitters, no conflicts (2 of 4 stars). 3 submissions from 3 submitters: Uncertain significance (3). Last evaluated 2024-11-26.

Conditions:
Inborn genetic diseases. Identifiers: MedGen C0950123, MeSH D030342.
Fanconi anemia (FA). Also called: Fanconi's anemia. Identifiers: Orphanet 84, MedGen C0015625, MeSH D005199, MONDO:0019391.

Allele frequency attached by ClinVar (database versions not stated): gnomAD exomes below 0.00001; gnomAD 0.00002; TOPMed 0.00006.
gnomAD v4.1: 5 of 1,613,994 alleles (0.00031%); highest among the groups gnomAD compares: Admixed American, 0.0067%; no homozygotes.

Submissions (3):

Ambry Genetics
Classification: Uncertain significance for Inborn genetic diseases. Last evaluated: 2024-11-26. Review status: criteria provided, single submitter. Criteria: Ambry Variant Classification Scheme 2023. Collection method: clinical testing. Allele origin: germline.
Comment: The p.I1242M variant (also known as c.3726C>G), located in coding exon 37 of the FANCA gene, results from a C to G substitution at nucleotide position 3726. The isoleucine at codon 1242 is replaced by methionine, an amino acid with highly similar properties. This amino acid position is conserved. In addition, this alteration is predicted to be tolerated by in silico analysis. Based on the available evidence, the clinical significance of this variant remains unclear.

Labcorp Genetics (formerly Invitae), Labcorp
Classification: Uncertain significance for Fanconi anemia. Last evaluated: 2024-04-30. Review status: criteria provided, single submitter. Criteria: Invitae Variant Classification Sherloc (09022015). Collection method: clinical testing. Allele origin: germline.
Comment: This sequence change replaces isoleucine, which is neutral and non-polar, with methionine, which is neutral and non-polar, at codon 1242 of the FANCA protein (p.Ile1242Met). This variant is not present in population databases (gnomAD no frequency). This variant has not been reported in the literature in individuals affected with FANCA-related conditions. ClinVar contains an entry for this variant (Variation ID: 1502161). Advanced modeling of protein sequence and biophysical properties (such as structural, functional, and spatial information, amino acid conservation, physicochemical variation, residue mobility, and thermodynamic stability) performed at Invitae indicates that this missense variant is not expected to disrupt FANCA protein function with a negative predictive value of 80%. In summary, the available evidence is currently insufficient to determine the role of this variant in disease. Therefore, it has been classified as a Variant of Uncertain Significance.

Quest Diagnostics Nichols Institute San Juan Capistrano
Classification: Uncertain significance. Last evaluated: 2021-08-30. Review status: criteria provided, single submitter. Criteria: Quest Diagnostics criteria. Collection method: clinical testing. Allele origin: unknown.